The following is an entry in ClinVar:

ClinVar aggregate classification (germline): Pathogenic/Likely pathogenic. Review status: criteria provided, multiple submitters, no conflicts (2 of 4 stars). 2 submissions from 2 submitters: Pathogenic (1); Likely pathogenic (1). Last evaluated 2025-03-23.

Conditions:
Glaucoma 3, primary infantile, B. Also called: GLAUCOMA, PRIMARY CONGENITAL, TYPE B; GLC3B; GLC3 type B; Primary congenital glaucoma type 3B; Glaucoma primary congenita type 3B. Identifiers: Orphanet 98976, MedGen C1832977, MONDO:0010968, OMIM 600975.
Multiple cutaneous and mucosal venous malformations (VMCM). Also called: TEK-Related Multiple Cutaneous and Mucosal Venous Malformations (VMCM). Identifiers: Orphanet 2451, MedGen C1838437, MONDO:0010842, OMIM 600195.
Glaucoma 3, primary congenital, E (GLC3E). Identifiers: MedGen C4310639, MONDO:0014998, OMIM 617272.

Submissions (2):

Labcorp Genetics (formerly Invitae), Labcorp
Classification: Pathogenic. Last evaluated: 2025-03-23. Review status: criteria provided, single submitter. Criteria: Invitae Variant Classification Sherloc (09022015). Collection method: clinical testing. Allele origin: germline.
Comment: This sequence change creates a premature translational stop signal (p.Gln518*) in the TEK gene. It is expected to result in an absent or disrupted protein product. Loss-of-function variants in TEK are known to be pathogenic (PMID: 27270174). This variant is not present in population databases (gnomAD no frequency). This variant has not been reported in the literature in individuals affected with TEK-related conditions. Algorithms developed to predict the effect of sequence changes on RNA splicing suggest that this variant may disrupt the consensus splice site. For these reasons, this variant has been classified as Pathogenic.

Department of Pathology and Laboratory Medicine, Sinai Health System
Classification: Likely pathogenic for Multiple cutaneous and mucosal venous malformations; Glaucoma 3, primary congenital, E; Glaucoma 3, primary infantile, B. Last evaluated: 2023-07-05. Review status: criteria provided, single submitter. Criteria: ACMG Guidelines, 2015. Collection method: research. Allele origin: germline.

Literature cited by the submitters: PubMed 27270174 (cited by Labcorp Genetics (formerly Invitae), Labcorp).

NM_000459.5(TEK):c.1552C>T (p.Gln518Ter)

Gene: TEK (TEK receptor tyrosine kinase; plus strand). Cytogenetic location: 9p21.2.
Variant type: single nucleotide variant.
Coding change: c.1552C>T on transcript NM_000459.5 (MANE Select); coding-DNA position 1552, C replaced by T.
Protein change: p.Gln518Ter; replaces glutamine 518 with a stop codon.
Molecular consequence: nonsense.
Genome position (GRCh38, 1-based): chr9:27,192,551, C>T. VCF-style: chr9-27192551-C-T. GRCh37 (hg19) VCF-style: chr9-27192549-C-T.
Other names: c.1423C>T, p.Gln475Ter (NM_001290077.2, NM_001375476.1); c.1111C>T, p.Gln371Ter (NM_001290078.2); c.1552C>T, p.Gln518Ter (NM_001375475.1); short protein forms Q371*, Q475*, Q518*.
Identifiers: ClinVar variation 3780702 (VCV003780702.2).